The following is an entry in ClinVar:

ClinVar aggregate classification (germline): Likely benign. Review status: criteria provided, multiple submitters, no conflicts (2 of 4 stars). 2 submissions from 2 submitters: Likely benign (2). Last evaluated 2026-02-16.

Conditions:
ZNF469-related disorder. Also called: ZNF469-related condition.

Allele frequency attached by ClinVar (database versions not stated): gnomAD 0.00001; gnomAD exomes 0.00001; TOPMed 0.00002.
gnomAD v4.1: 10 of 1,550,228 alleles (0.00065%); highest among the groups gnomAD compares: East Asian, 0.0049%; no homozygotes.

Submissions (2):

PreventionGenetics, part of Exact Sciences
Classification: Likely benign for ZNF469-related condition. Last evaluated: 2026-02-16. Review status: criteria provided, single submitter. Criteria: ACMG Guidelines, 2015. Collection method: clinical testing. Allele origin: germline.
Comment: This variant is classified as likely benign based on ACMG/AMP sequence variant interpretation guidelines (Richards et al. 2015 PMID: 25741868, with internal and published modifications).

Labcorp Genetics (formerly Invitae), Labcorp
Classification: Likely benign. Last evaluated: 2025-04-02. Review status: criteria provided, single submitter. Criteria: Invitae Variant Classification Sherloc (09022015). Collection method: clinical testing. Allele origin: germline.

NM_001367624.2(ZNF469):c.7659G>A (p.Pro2553=)

Gene: ZNF469 (zinc finger protein 469; plus strand). Cytogenetic location: 16q24.2.
Variant type: single nucleotide variant.
Coding change: c.7659G>A on transcript NM_001367624.2 (MANE Select); coding-DNA position 7659, G replaced by A.
Protein change: p.Pro2553=; no amino-acid change (proline 2553 retained).
Molecular consequence: synonymous variant.
Genome position (GRCh38, 1-based): chr16:88,435,129, G>A. VCF-style: chr16-88435129-G-A. GRCh37 (hg19) VCF-style: chr16-88501537-G-A.
Other names: NM_001127464.2:c.7575G>A.
Identifiers: ClinVar variation 2741069 (VCV002741069.4), dbSNP rs925716304, ClinGen allele CA286383050.